The following is an entry in ClinVar:

NM_025099.6(CTC1):c.910T>G (p.Ser304Ala)

Gene: CTC1 (CST telomere replication complex component 1; minus strand). Cytogenetic location: 17p13.1.
Variant type: single nucleotide variant.
Coding change: c.910T>G on transcript NM_025099.6 (MANE Select); coding-DNA position 910, T replaced by G.
Protein change: p.Ser304Ala; replaces serine 304 with alanine.
Molecular consequence: missense variant. On other transcripts: non-coding transcript variant (1).
Genome position (GRCh38, 1-based): chr17:8,236,225, A>C on the plus strand (T>G on the coding strand, the complement: CTC1 is on the minus strand). VCF-style: chr17-8236225-A-C. GRCh37 (hg19) VCF-style: chr17-8139543-A-C.
Other names: c.910T>G, p.Ser304Ala (NM_001411067.1); short protein forms S304A.
Identifiers: ClinVar variation 2403511 (VCV002403511.3), dbSNP rs761028066, ClinGen allele CA8372522.
Genomic context (GRCh38, chr17:8,236,225, plus strand): 5'-CTTCCAGCTCCAGTTCCAGCTCCTGCACACATTCTGGTTTCAGCAGCAACAGACGGGAGG[A>C]CTGACTGGTCATCCAAACATGCTGGCGCTGACCACGGATCTTGGACACTCGCAGTTCTGT-3'
Protein context (NP_079375.3, residues 294-314): QRQHVWMTSQ[Ser304Ala]SRLLLLKPEC

ClinVar aggregate classification (germline): Uncertain significance. Review status: criteria provided, multiple submitters, no conflicts (2 of 4 stars). 2 submissions from 2 submitters: Uncertain significance (2). Last evaluated 2025-04-29.

Conditions:
Inborn genetic diseases. Identifiers: MedGen C0950123, MeSH D030342.

Allele frequency attached by ClinVar (database versions not stated): gnomAD 0.00001; gnomAD exomes 0.00002; TOPMed 0.00002; ExAC 0.00007.
gnomAD v4.1: 14 of 1,614,048 alleles (0.00087%); highest among the groups gnomAD compares: Admixed American, 0.022%; no homozygotes.

Submissions (2):

GeneDx
Classification: Uncertain significance. Last evaluated: 2025-04-29. Review status: criteria provided, single submitter. Criteria: GeneDx Variant Classification Process June 2021. Collection method: clinical testing. Allele origin: germline. Affected: yes.
Comment: In silico analysis indicates that this missense variant does not alter protein structure/function; Has not been previously published as pathogenic or benign to our knowledge

Ambry Genetics
Classification: Uncertain significance for Inborn genetic diseases. Last evaluated: 2021-12-13. Review status: criteria provided, single submitter. Criteria: Ambry Variant Classification Scheme 2023. Collection method: clinical testing. Allele origin: germline.